The following is an entry in ClinVar:

ClinVar aggregate classification (germline): Uncertain significance (1 of 4 stars; one submission).

Conditions:
Hereditary nonpolyposis colorectal neoplasms. Identifiers: MedGen C0009405, MeSH D003123.

Submission:

Labcorp Genetics (formerly Invitae), Labcorp
Classification: Uncertain significance for Hereditary nonpolyposis colorectal neoplasms. Last evaluated: 2016-05-28. Review status: criteria provided, single submitter. Criteria: Invitae Variant Classification Sherloc (09022015). Collection method: clinical testing. Allele origin: germline.
Comment: This variant is a gross duplication of the genomic region encompassing a portion of exon 7 through exon 15 of the PMS2 gene. The 5' boundary is within exon 7 at c.729. The 3' end of this event is unknown as it extends beyond the assayed region for this gene and therefore may encompass additional genes. The exact location of this duplication is unknown, it may be in tandem or it may be located elsewhere in the genome. This variant has not been reported in the literature in individuals with a PMS2-related disease. In summary, this is a rare multi-exonic duplication with uncertain impact on PMS2 protein function. It has been classified as a Variant of Uncertain Significance.

NC_000007.13:g.(?_6013024)_(6022628_?)dup

Gene: PMS2 (PMS1 homolog 2, mismatch repair system component; minus strand). Cytogenetic location: 7p22.1.
Variant type: Duplication.
Identifiers: ClinVar variation 455087 (VCV000455087.2).